The following is an entry in ClinVar:

NM_183357.3(ADCY5):c.1498C>T (p.Arg500Cys)

Gene: ADCY5 (adenylate cyclase 5; minus strand). Cytogenetic location: 3q21.1.
Variant type: single nucleotide variant.
Coding change: c.1498C>T on transcript NM_183357.3 (MANE Select); coding-DNA position 1498, C replaced by T.
Protein change: p.Arg500Cys; replaces arginine 500 with cysteine.
Molecular consequence: missense variant.
Genome position (GRCh38, 1-based): chr3:123,332,584, G>A on the plus strand (C>T on the coding strand, the complement: ADCY5 is on the minus strand). VCF-style: chr3-123332584-G-A. GRCh37 (hg19) VCF-style: chr3-123051431-G-A.
Other names: c.448C>T, p.Arg150Cys (NM_001199642.1); c.1498C>T, p.Arg500Cys (NM_001378259.1); short protein forms R500C, R150C.
Identifiers: ClinVar variation 1978613 (VCV001978613.4), dbSNP rs1310878895, ClinGen allele CA354220210.
Genomic context (GRCh38, chr3:123,332,584, plus strand): 5'-CAGGTCAGGCCACCCCAACCCCCGGCTCAGGGTGACTCACTGCGGCCAGCTTGTCAAAGC[G>A]GGCGAAGAGCTCGTTGAGGGTCATGACCAGTTCCTGTGCAGTGCACTGGGACGCCAGGCT-3'
Protein context (NP_899200.1, residues 490-510): LVMTLNELFA[Arg500Cys]FDKLAAENHC

ClinVar aggregate classification (germline): Uncertain significance (1 of 4 stars; one submission).

Allele frequency attached by ClinVar (database versions not stated): gnomAD exomes below 0.00001.
gnomAD v4.1: 5 of 1,613,264 alleles (0.00031%); highest among the groups gnomAD compares: Non-Finnish European, 0.00034%; no homozygotes.

Submission:

Labcorp Genetics (formerly Invitae), Labcorp
Classification: Uncertain significance. Last evaluated: 2022-08-03. Review status: criteria provided, single submitter. Criteria: Invitae Variant Classification Sherloc (09022015). Collection method: clinical testing. Allele origin: germline.
Comment: This sequence change replaces arginine, which is basic and polar, with cysteine, which is neutral and slightly polar, at codon 500 of the ADCY5 protein (p.Arg500Cys). This variant is not present in population databases (gnomAD no frequency). This variant has not been reported in the literature in individuals affected with ADCY5-related conditions. Advanced modeling of protein sequence and biophysical properties (such as structural, functional, and spatial information, amino acid conservation, physicochemical variation, residue mobility, and thermodynamic stability) performed at Invitae indicates that this missense variant is expected to disrupt ADCY5 protein function. In summary, the available evidence is currently insufficient to determine the role of this variant in disease. Therefore, it has been classified as a Variant of Uncertain Significance.